The following is an entry in ClinVar:

NM_002691.4(POLD1):c.343C>G (p.Pro115Ala)

Gene: POLD1 (DNA polymerase delta 1, catalytic subunit; plus strand). Cytogenetic location: 19q13.33.
Variant type: single nucleotide variant.
Coding change: c.343C>G on transcript NM_002691.4 (MANE Select); coding-DNA position 343, C replaced by G.
Protein change: p.Pro115Ala; replaces proline 115 with alanine.
Molecular consequence: missense variant. On other transcripts: non-coding transcript variant (1).
Genome position (GRCh38, 1-based): chr19:50,401,804, C>G. VCF-style: chr19-50401804-C-G. GRCh37 (hg19) VCF-style: chr19-50905061-C-G.
Other names: c.343C>G, p.Pro115Ala (NM_001256849.1, NM_001308632.1); c.343C>G (NM_002691.2); short protein forms P115A.
Identifiers: ClinVar variation 936233 (VCV000936233.9), dbSNP rs754917939, ClinGen allele CA406972163.

ClinVar aggregate classification (germline): Conflicting classifications of pathogenicity. Review status: criteria provided, conflicting classifications (1 of 4 stars). 3 submissions from 3 submitters: Uncertain significance (2); Likely benign (1). Last evaluated 2025-12-10.

Conditions:
Hereditary cancer-predisposing syndrome. Also called: Hereditary neoplastic syndrome; Tumor predisposition; Neoplastic Syndromes, Hereditary; Hereditary Cancer Syndrome. Identifiers: Orphanet 140162, MedGen C0027672, MeSH D009386, MONDO:0015356.
POLD1-related polyposis and colorectal cancer syndrome (CRCS10). Also called: Colorectal cancer 10; COLORECTAL CANCER, SUSCEPTIBILITY TO, ON CHROMOSOME 19q; Colorectal cancer, susceptibility to, 10. Identifiers: Orphanet 220460, MedGen C2675481, MONDO:0012953, OMIM 612591.

Allele frequency attached by ClinVar (database versions not stated): TOPMed below 0.00001.

Submissions (3):

Labcorp Genetics (formerly Invitae), Labcorp
Classification: Uncertain significance for POLD1-related polyposis and colorectal cancer syndrome. Last evaluated: 2025-12-10. Review status: criteria provided, single submitter. Criteria: Invitae Variant Classification Sherloc (09022015). Collection method: clinical testing. Allele origin: germline.
Comment: This sequence change replaces proline, which is neutral and non-polar, with alanine, which is neutral and non-polar, at codon 115 of the POLD1 protein (p.Pro115Ala). This variant is not present in population databases (gnomAD no frequency). This variant has not been reported in the literature in individuals affected with POLD1-related conditions. ClinVar contains an entry for this variant (Variation ID: 936233). An algorithm developed to predict the effect of missense changes on protein structure and function (PolyPhen-2) suggests that this variant is likely to be tolerated. In summary, the available evidence is currently insufficient to determine the role of this variant in disease. Therefore, it has been classified as a Variant of Uncertain Significance.

Center for Genomic Medicine, Rigshospitalet, Copenhagen University Hospital
Classification: Uncertain significance. Last evaluated: 2025-03-04. Review status: criteria provided, single submitter. Criteria: ACMG Guidelines, 2015. Collection method: clinical testing. Allele origin: germline.

Ambry Genetics
Classification: Likely benign for Hereditary cancer-predisposing syndrome. Last evaluated: 2025-01-10. Review status: criteria provided, single submitter. Criteria: Ambry Variant Classification Scheme 2023. Collection method: clinical testing. Allele origin: germline.